The following is an entry in ClinVar:

NM_001321967.2(ATAD1):c.860T>C (p.Val287Ala)

Gene: ATAD1 (ATPase family AAA domain containing 1; minus strand). Cytogenetic location: 10q23.31.
Variant type: single nucleotide variant.
Coding change: c.860T>C on transcript NM_001321967.2 (MANE Select); coding-DNA position 860, T replaced by C.
Protein change: p.Val287Ala; replaces valine 287 with alanine.
Molecular consequence: missense variant. On other transcripts: non-coding transcript variant (1).
Genome position (GRCh38, 1-based): chr10:87,756,894, A>G on the plus strand (T>C on the coding strand, the complement: ATAD1 is on the minus strand). VCF-style: chr10-87756894-A-G. GRCh37 (hg19) VCF-style: chr10-89516651-A-G.
Other names: c.770T>C, p.Val257Ala (NM_001321968.2); c.503T>C, p.Val168Ala (NM_001321969.2); c.860T>C, p.Val287Ala (NM_032810.4); c.860T>C (NM_032810.2); short protein forms V287A, V257A, V168A.
Identifiers: ClinVar variation 1482588 (VCV001482588.6), dbSNP rs117456145, ClinGen allele CA5589941.

ClinVar aggregate classification (germline): Uncertain significance. Review status: criteria provided, multiple submitters, no conflicts (2 of 4 stars). 2 submissions from 2 submitters: Uncertain significance (2). Last evaluated 2026-02-02.

Conditions:
Inborn genetic diseases. Identifiers: MedGen C0950123, MeSH D030342.

Allele frequency attached by ClinVar (database versions not stated): gnomAD 0.00025; gnomAD exomes 0.00030 and 0.00036; 1000 Genomes Project 30x 0.00031; ExAC 0.00035; TOPMed 0.00041; ESP Exome Variant Server 0.00046.
gnomAD v4.1: 561 of 1,611,486 alleles (0.035%); highest among the groups gnomAD compares: South Asian, 0.041%; no homozygotes.

Submissions (2):

Labcorp Genetics (formerly Invitae), Labcorp
Classification: Uncertain significance. Last evaluated: 2026-02-02. Review status: criteria provided, single submitter. Criteria: Invitae Variant Classification Sherloc (09022015). Collection method: clinical testing. Allele origin: germline.
Comment: This sequence change replaces valine, which is neutral and non-polar, with alanine, which is neutral and non-polar, at codon 287 of the ATAD1 protein (p.Val287Ala). This variant is present in population databases (rs117456145, gnomAD 0.06%). This variant has not been reported in the literature in individuals affected with ATAD1-related conditions. ClinVar contains an entry for this variant (Variation ID: 1482588). An algorithm developed to predict the effect of missense changes on protein structure and function (PolyPhen-2) suggests that this variant is likely to be tolerated. In summary, the available evidence is currently insufficient to determine the role of this variant in disease. Therefore, it has been classified as a Variant of Uncertain Significance.

Ambry Genetics
Classification: Uncertain significance for Inborn genetic diseases. Last evaluated: 2025-01-19. Review status: criteria provided, single submitter. Criteria: Ambry Variant Classification Scheme 2023. Collection method: clinical testing. Allele origin: germline.